The following is an entry in ClinVar:

NM_001367721.1(CASK):c.506T>G (p.Leu169Ter)

Gene: CASK (calcium/calmodulin dependent serine protein kinase; minus strand). Cytogenetic location: Xp11.4.
Variant type: single nucleotide variant.
Coding change: c.506T>G on transcript NM_001367721.1 (MANE Select); coding-DNA position 506, T replaced by G.
Protein change: p.Leu169Ter; replaces leucine 169 with a stop codon.
Molecular consequence: nonsense.
Genome position (GRCh38, 1-based): chrX:41,671,454, A>C on the plus strand (T>G on the coding strand, the complement: CASK is on the minus strand). VCF-style: chrX-41671454-A-C. GRCh37 (hg19) VCF-style: chrX-41530707-A-C.
Other names: c.506T>G, p.Leu169Ter (NM_001126054.3, NM_001126055.3, NM_001410745.1 and 1 more transcripts); short protein forms L169*.
Identifiers: ClinVar variation 1687308 (VCV001687308.1), dbSNP rs2147495562, ClinGen allele CA412998948.

ClinVar aggregate classification (germline): Likely pathogenic (1 of 4 stars; one submission).

Conditions:
Syndromic X-linked intellectual disability Najm type (MICPCH). Also called: MICPCH SYNDROME; Intellectual developmental disorder and microcephaly with pontine and cerebellar hypoplasia; Mental retardation and microcephaly with pontine and cerebellar hypoplasia; MENTAL RETARDATION, X-LINKED, SYNDROMIC, NAJM TYPE; Intellectual Disability and Microcephaly with Pontine and Cerebellar Hypoplasia (MICPCH); Intellectual Disability and Microcephaly with Pontine and Cerebellar Hypoplasia. Identifiers: Orphanet 163937, MedGen C2677903, MONDO:0010417, OMIM 300749.

Submission:

3billion
Classification: Likely pathogenic for Syndromic X-linked intellectual disability Najm type. Last evaluated: 2022-05-22. Review status: criteria provided, single submitter. Criteria: ACMG Guidelines, 2015. Collection method: clinical testing. Allele origin: germline. Affected: yes. Observed: 1 heterozygote.
Comment: The variant is not observed in the gnomAD v2.1.1 dataset. Stop-gained (nonsense): predicted to result in a loss or disruption of normal protein function through nonsense-mediated decay (NMD) or protein truncation. Multiple pathogenic variants are reported downstream of the variant. Therefore, this variant is classified as likely pathogenic according to the recommendation of ACMG/AMP guideline.